The following is an entry in ClinVar:

NM_000051.4(ATM):c.5533T>G (p.Leu1845Val)

Gene: ATM (ATM serine/threonine kinase; plus strand). Cytogenetic location: 11q22.3.
Variant type: single nucleotide variant.
Coding change: c.5533T>G on transcript NM_000051.4 (MANE Select); coding-DNA position 5533, T replaced by G.
Protein change: p.Leu1845Val; replaces leucine 1845 with valine.
Molecular consequence: missense variant.
Genome position (GRCh38, 1-based): chr11:108,304,711, T>G. VCF-style: chr11-108304711-T-G. GRCh37 (hg19) VCF-style: chr11-108175438-T-G.
Other names: c.5533T>G, p.Leu1845Val (NM_001351834.2); short protein forms L1845V.
Identifiers: ClinVar variation 1748155 (VCV001748155.2), dbSNP rs1555107311, ClinGen allele CA382545883.
Genomic context (GRCh38, chr11:108,304,711, plus strand): 5'-GGTGGATTTGTTTGTATATTCTAGGTGAAAACTGACTTTTGTCAGACTGTACTTCCATAC[T>G]TGATTCATGATATTTTACTCCAAGATACAAATGAATCATGGAGAAATCTGCTTTCTACAC-3'
Protein context (NP_000042.3, residues 1835-1855): TDFCQTVLPY[Leu1845Val]IHDILLQDTN

ClinVar aggregate classification (germline): Uncertain significance (1 of 4 stars; one submission).

Conditions:
Hereditary cancer-predisposing syndrome. Also called: Hereditary Cancer Syndrome; Hereditary neoplastic syndrome; Neoplastic Syndromes, Hereditary; Tumor predisposition. Identifiers: Orphanet 140162, MedGen C0027672, MeSH D009386, MONDO:0015356.

Allele frequency attached by ClinVar (database versions not stated): gnomAD exomes below 0.00001.

Submission:

Ambry Genetics
Classification: Uncertain significance for Hereditary cancer-predisposing syndrome. Last evaluated: 2020-02-19. Review status: criteria provided, single submitter. Criteria: Ambry Variant Classification Scheme 2023. Collection method: clinical testing. Allele origin: germline.
Comment: The p.L1845V variant (also known as c.5533T>G), located in coding exon 36 of the ATM gene, results from a T to G substitution at nucleotide position 5533. The leucine at codon 1845 is replaced by valine, an amino acid with highly similar properties. This amino acid position is well conserved in available vertebrate species. In addition, the in silico prediction for this alteration is inconclusive. Since supporting evidence is limited at this time, the clinical significance of this alteration remains unclear.